The following is an entry in ClinVar:

NM_020361.5(CPA6):c.1096T>C (p.Tyr366His)

Genes: ARFGEF1-DT (ARFGEF1 divergent transcript; plus strand), CPA6 (carboxypeptidase A6; minus strand). Cytogenetic location: 8q13.2.
Variant type: single nucleotide variant.
Coding change: c.1096T>C on transcript NM_020361.5 (MANE Select); coding-DNA position 1096, T replaced by C.
Protein change: p.Tyr366His; replaces tyrosine 366 with histidine.
Molecular consequence: missense variant.
Genome position (GRCh38, 1-based): chr8:67,428,077, A>G on the plus strand (T>C on the coding strand, the complement: CPA6 is on the minus strand). VCF-style: chr8-67428077-A-G. GRCh37 (hg19) VCF-style: chr8-68340312-A-G.
Other names: short protein forms Y366H.
Identifiers: ClinVar variation 1030703 (VCV001030703.1), dbSNP rs1809934047, ClinGen allele CA371259940.

ClinVar aggregate classification (germline): Uncertain significance (1 of 4 stars; one submission).

Conditions:
Familial temporal lobe epilepsy 5. Identifiers: MedGen C3280730, MONDO:0013741, OMIM 614417.

Allele frequency attached by ClinVar (database versions not stated): gnomAD exomes below 0.00001.
gnomAD v4.1: 1 of 1,613,400 alleles (0.000062%); highest among the groups gnomAD compares: Non-Finnish European, 0.000085%; no homozygotes.

Submission:

Baylor Genetics
Classification: Uncertain significance for Familial temporal lobe epilepsy 5. Last evaluated: 2019-11-15. Review status: criteria provided, single submitter. Criteria: ACMG Guidelines, 2015. Collection method: clinical testing. Allele origin: paternal. Affected: yes.
Comment: This variant was determined to be of uncertain significance according to ACMG Guidelines, 2015 [PMID:25741868].